The following is an entry in ClinVar:

NM_001252024.2(TRPM1):c.*723T>C

Gene: TRPM1 (transient receptor potential cation channel subfamily M member 1; minus strand). Cytogenetic location: 15q13.3.
Variant type: single nucleotide variant.
Coding change: c.*723T>C on transcript NM_001252024.2 (MANE Select); 723 bases downstream of the stop codon, T replaced by C.
Molecular consequence: 3 prime UTR variant.
Genome position (GRCh38, 1-based): chr15:31,001,099, A>G on the plus strand (T>C on the coding strand, the complement: TRPM1 is on the minus strand). VCF-style: chr15-31001099-A-G. GRCh37 (hg19) VCF-style: chr15-31293302-A-G.
Other names: c.*723T>C (NM_001252020.2, NM_002420.6).
Identifiers: ClinVar variation 888455 (VCV000888455.4), dbSNP rs143353770, ClinGen allele CA267495510.

ClinVar aggregate classification (germline): Benign (1 of 4 stars; one submission).

Conditions:
Congenital stationary night blindness 1C. Also called: Night blindness, congenital stationary (complete), 1C, autosomal recessive. Identifiers: Orphanet 215, MedGen C2750747, MONDO:0013183, OMIM 613216.

Allele frequency attached by ClinVar (database versions not stated): gnomAD 0.00602 and 0.00654; 1000 Genomes Project 0.00619; TOPMed 0.00650; 1000 Genomes Project 30x 0.00703.

Submission:

Illumina Laboratory Services, Illumina
Classification: Benign for Congenital stationary night blindness 1C. Last evaluated: 2018-01-13. Review status: criteria provided, single submitter. Criteria: ICSL Variant Classification Criteria 13 December 2019. Collection method: clinical testing. Allele origin: germline.
Comment: This variant was observed in the ICSL laboratory as part of a predisposition screen in an ostensibly healthy population. It had not been previously curated by ICSL or reported in the Human Gene Mutation Database (HGMD: prior to June 1st, 2018), and was therefore a candidate for classification through an automated scoring system. Utilizing variant allele frequency, disease prevalence and penetrance estimates, and inheritance mode, an automated score was calculated to assess if this variant is too frequent to cause the disease. Based on the score and internal cut-off values, a variant classified as benign is not then subjected to further curation. The score for this variant resulted in a classification of benign for this disease.